The following is an entry in ClinVar:

ClinVar aggregate classification (germline): Uncertain significance. Review status: criteria provided, multiple submitters, no conflicts (2 of 4 stars). 2 submissions from 2 submitters: Uncertain significance (2). Last evaluated 2026-09-22.

Conditions:
EP300-related disorder. Also called: EP300-related condition; EP300-related disorders.
Rubinstein-Taybi syndrome due to EP300 haploinsufficiency. Also called: EP300-Related Rubinstein-Taybi Syndrome; RUBINSTEIN-TAYBI SYNDROME 2. Identifiers: Orphanet 353284, Orphanet 783, MedGen C3150941, MONDO:0013364, OMIM 613684.

Allele frequency attached by ClinVar (database versions not stated): gnomAD exomes below 0.00001; ExAC 0.00001.
gnomAD v4.1: 7 of 1,614,134 alleles (0.00043%); highest among the groups gnomAD compares: Non-Finnish European, 0.00051%; no homozygotes.

Submissions (2):

PreventionGenetics, part of Exact Sciences
Classification: Uncertain significance for EP300-related condition. Last evaluated: 2026-09-22. Review status: criteria provided, single submitter. Criteria: ACMG Guidelines, 2015. Collection method: clinical testing. Allele origin: germline.
Comment: The EP300 c.1465A>G variant is predicted to result in the amino acid substitution p.Lys489Glu. To our knowledge, this variant has not been reported in the literature or in a large population database (gnomAD), indicating this variant is rare. At this time, the clinical significance of this variant is uncertain due to the absence of conclusive functional and genetic evidence.

Labcorp Genetics (formerly Invitae), Labcorp
Classification: Uncertain significance for Rubinstein-Taybi syndrome due to EP300 haploinsufficiency. Last evaluated: 2025-09-02. Review status: criteria provided, single submitter. Criteria: Invitae Variant Classification Sherloc (09022015). Collection method: clinical testing. Allele origin: germline.
Comment: This sequence change replaces lysine, which is basic and polar, with glutamic acid, which is acidic and polar, at codon 489 of the EP300 protein (p.Lys489Glu). This variant is not present in population databases (gnomAD no frequency). This variant has not been reported in the literature in individuals affected with EP300-related conditions. ClinVar contains an entry for this variant (Variation ID: 3014095). Invitae Evidence Modeling of protein sequence and biophysical properties (such as structural, functional, and spatial information, amino acid conservation, physicochemical variation, residue mobility, and thermodynamic stability) indicates that this missense variant is not expected to disrupt EP300 protein function with a negative predictive value of 95%. In summary, the available evidence is currently insufficient to determine the role of this variant in disease. Therefore, it has been classified as a Variant of Uncertain Significance.

NM_001429.4(EP300):c.1465A>G (p.Lys489Glu)

Gene: EP300 (EP300 lysine acetyltransferase; plus strand). Cytogenetic location: 22q13.2.
Variant type: single nucleotide variant.
Coding change: c.1465A>G on transcript NM_001429.4 (MANE Select); coding-DNA position 1465, A replaced by G.
Protein change: p.Lys489Glu; replaces lysine 489 with glutamic acid.
Molecular consequence: missense variant.
Genome position (GRCh38, 1-based): chr22:41,131,570, A>G. VCF-style: chr22-41131570-A-G. GRCh37 (hg19) VCF-style: chr22-41527574-A-G.
Other names: c.1465A>G (NM_001429.3); c.1465A>G, p.Lys489Glu (NM_001362843.2); short protein forms K489E.
Identifiers: ClinVar variation 3014095 (VCV003014095.4), dbSNP rs761121417, ClinGen allele CA10252517.